The following is an entry in ClinVar:

NM_001267550.2(TTN):c.55988A>G (p.Asn18663Ser)

Genes: TTN (titin; minus strand), TTN-AS1 (TTN antisense RNA 1; plus strand). Cytogenetic location: 2q31.2.
Variant type: single nucleotide variant.
Coding change: c.55988A>G on transcript NM_001267550.2 (MANE Select); coding-DNA position 55988, A replaced by G.
Protein change: p.Asn18663Ser; replaces asparagine 18663 with serine.
Molecular consequence: missense variant.
Genome position (GRCh38, 1-based): chr2:178,600,916, T>C on the plus strand (A>G on the coding strand, the complement: TTN is on the minus strand). VCF-style: chr2-178600916-T-C. GRCh37 (hg19) VCF-style: chr2-179465643-T-C.
Other names: c.51065A>G, p.Asn17022Ser (NM_001256850.1); c.28793A>G, p.Asn9598Ser (NM_003319.4); c.48284A>G, p.Asn16095Ser (NM_133378.4); c.29168A>G, p.Asn9723Ser (NM_133432.3); c.29369A>G, p.Asn9790Ser (NM_133437.4); c.55988A>G (NM_001267550.1); short protein forms N18663S, N9723S, N16095S, N17022S, N9598S, N9790S.
Identifiers: ClinVar variation 467281 (VCV000467281.10), dbSNP rs368350844, ClinGen allele CA1993349.

ClinVar aggregate classification (germline): Conflicting classifications of pathogenicity. Review status: criteria provided, conflicting classifications (1 of 4 stars). 6 submissions from 6 submitters: Uncertain significance (5); Likely benign (1). Last evaluated 2026-04-18.

Conditions:
Cardiovascular phenotype. Identifiers: MedGen CN230736.
TTN-related disorder. Also called: TTN-related condition; TTN-related disease; TTN-related disorders.
Autosomal recessive limb-girdle muscular dystrophy type 2J (LGMDR10). Also called: Limb-girdle muscular dystrophy, type 2J; MUSCULAR DYSTROPHY, LIMB-GIRDLE, AUTOSOMAL RECESSIVE 10. Identifiers: Orphanet 140922, MedGen C1837342, MONDO:0012127, OMIM 608807.
Dilated cardiomyopathy 1G (CMD1G). Identifiers: Orphanet 154, MedGen C1858763, MONDO:0011400, OMIM 604145.

Allele frequency attached by ClinVar (database versions not stated): ExAC 0.00002; gnomAD 0.00003; gnomAD exomes 0.00003 and 0.00005; TOPMed 0.00004; ESP Exome Variant Server 0.00008.
gnomAD v4.1: 85 of 1,612,916 alleles (0.0053%); highest among the groups gnomAD compares: Non-Finnish European, 0.0065%; no homozygotes.

Submissions (6):

PreventionGenetics, part of Exact Sciences
Classification: Uncertain significance for TTN-related condition. Last evaluated: 2026-04-18. Review status: criteria provided, single submitter. Criteria: ACMG Guidelines, 2015. Collection method: clinical testing. Allele origin: germline.
Comment: The TTN c.55988A>G variant is predicted to result in the amino acid substitution p.Asn18663Ser. To our knowledge, this variant has not been reported in the literature. This variant is reported in 0.0085% of alleles in individuals of Latino descent in gnomAD. At this time, the clinical significance of this variant is uncertain due to the absence of conclusive functional and genetic evidence.

Women's Health and Genetics/Laboratory Corporation of America, LabCorp
Classification: Uncertain significance. Last evaluated: 2025-06-12. Review status: criteria provided, single submitter. Criteria: LabCorp Variant Classification Summary - May 2015. Collection method: clinical testing. Allele origin: germline.

Athena Diagnostics
Classification: Uncertain significance. Last evaluated: 2025-06-03. Review status: criteria provided, single submitter. Criteria: Athena Diagnostics Criteria. Collection method: clinical testing. Allele origin: unknown.
Comment: Available data are insufficient to determine the clinical significance of the variant at this time. The frequency of this variant in the general population is uninformative in assessment of its pathogenicity. Polyphen and MutationTaster yielded discordant predictions regarding whether this amino acid change is damaging to the protein.

GeneDx
Classification: Likely benign. Last evaluated: 2021-05-25. Review status: criteria provided, single submitter. Criteria: GeneDx Variant Classification Process June 2021. Collection method: clinical testing. Allele origin: germline. Affected: yes.

Ambry Genetics
Classification: Uncertain significance for Cardiovascular phenotype. Last evaluated: 2019-03-07. Review status: criteria provided, single submitter. Criteria: Ambry Variant Classification Scheme 2023. Collection method: clinical testing. Allele origin: germline.
Comment: The p.N9598S variant (also known as c.28793A>G), located in coding exon 115 of the TTN gene, results from an A to G substitution at nucleotide position 28793. The asparagine at codon 9598 is replaced by serine, an amino acid with highly similar properties. This amino acid position is highly conserved in available vertebrate species. In addition, this alteration is predicted to be probably damaging and unknown by PolyPhen and SIFT in silico analyses, respectively. Since supporting evidence is limited at this time, the clinical significance of this alteration remains unclear.

Labcorp Genetics (formerly Invitae), Labcorp
Classification: Uncertain significance for Dilated cardiomyopathy 1G; Autosomal recessive limb-girdle muscular dystrophy type 2J. Last evaluated: 2017-06-05. Review status: criteria provided, single submitter. Criteria: Invitae Variant Classification Sherloc (09022015). Collection method: clinical testing. Allele origin: germline.

Literature cited by the submitters: PubMed 33432171 (cited by Athena Diagnostics); PubMed 38757491 (cited by Athena Diagnostics).